The following is an entry in ClinVar:

ClinVar aggregate classification (germline): Uncertain significance (1 of 4 stars; one submission).

Submission:

GeneDx
Classification: Uncertain significance. Last evaluated: 2024-04-12. Review status: criteria provided, single submitter. Criteria: GeneDx Variant Classification Process June 2021. Collection method: clinical testing. Allele origin: germline. Affected: yes.
Comment: Not observed at significant frequency in large population cohorts (gnomAD); In silico analysis indicates that this missense variant does not alter protein structure/function; Has not been previously published as pathogenic or benign to our knowledge

NM_014974.3(DIP2C):c.3778G>C (p.Val1260Leu)

Gene: DIP2C (disco interacting protein 2 homolog C; minus strand). Cytogenetic location: 10p15.3.
Variant type: single nucleotide variant.
Coding change: c.3778G>C on transcript NM_014974.3 (MANE Select); coding-DNA position 3778, G replaced by C.
Protein change: p.Val1260Leu; replaces valine 1260 with leucine.
Molecular consequence: missense variant.
Genome position (GRCh38, 1-based): chr10:327,152, C>G on the plus strand (G>C on the coding strand, the complement: DIP2C is on the minus strand). VCF-style: chr10-327152-C-G. GRCh37 (hg19) VCF-style: chr10-373092-C-G.
Other names: short protein forms V1260L.
Identifiers: ClinVar variation 3372520 (VCV003372520.1).